The following is an entry in ClinVar:

ClinVar aggregate classification (germline): Likely benign. Review status: criteria provided, multiple submitters, no conflicts (2 of 4 stars). 3 submissions from 3 submitters: Likely benign (2). 1 of the submissions does not count toward it. Last evaluated 2026-02-02.

Conditions:
PRDM8-related disorder. Also called: PRDM8-related condition.
Early-onset Lafora body disease. Also called: Epilepsy, progressive myoclonic, 10. Identifiers: Orphanet 324290, MedGen C4225258, MONDO:0014717, OMIM 616640.

Allele frequency attached by ClinVar (database versions not stated): gnomAD exomes below 0.00001 and 0.00002; ExAC 0.00003; ESP Exome Variant Server 0.00008; gnomAD 0.00011 and 0.00013; TOPMed 0.00014.
gnomAD v4.1: 41 of 1,614,238 alleles (0.0025%); highest among the groups gnomAD compares: African/African-American, 0.025%; 1 homozygote.

Submissions (3):

Labcorp Genetics (formerly Invitae), Labcorp
Classification: Likely benign for Early-onset Lafora body disease. Last evaluated: 2026-02-02. Review status: criteria provided, single submitter. Criteria: Invitae Variant Classification Sherloc (09022015). Collection method: clinical testing. Allele origin: germline.

Blueprint Genetics
Classification: Likely benign. Last evaluated: 2024-11-06. Review status: criteria provided, single submitter. Criteria: ACMG Guidelines, 2015. Collection method: clinical testing. Allele origin: germline.

PreventionGenetics, part of Exact Sciences
Classification: Likely benign for PRDM8-related condition. Last evaluated: 2020-03-30. Review status: no assertion criteria provided. Collection method: clinical testing. Allele origin: germline. Not counted in ClinVar's aggregate classification.
Comment: This variant is classified as likely benign based on ACMG/AMP sequence variant interpretation guidelines (Richards et al. 2015 PMID: 25741868, with internal and published modifications).

NM_001099403.2(PRDM8):c.372G>A (p.Glu124=)

Genes: PRDM8 (PR/SET domain 8; plus strand), LOC126807094 (CDK7 strongly-dependent group 2 enhancer GRCh37_chr4:81121978-81123177; plus strand). Cytogenetic location: 4q21.21.
Variant type: single nucleotide variant.
Coding change: c.372G>A on transcript NM_001099403.2 (MANE Select); coding-DNA position 372, G replaced by A.
Protein change: p.Glu124=; no amino-acid change (glutamic acid 124 retained).
Molecular consequence: synonymous variant.
Genome position (GRCh38, 1-based): chr4:80,201,442, G>A. VCF-style: chr4-80201442-G-A. GRCh37 (hg19) VCF-style: chr4-81122596-G-A.
Other names: c.372G>A, p.Glu124= (NM_020226.4); c.372G>A (NM_020226.3).
Identifiers: ClinVar variation 1149753 (VCV001149753.12), dbSNP rs372621624, ClinGen allele CA2982196.